The following is an entry in ClinVar:

NM_018089.3(ANKZF1):c.581_584dup (p.Leu196fs)

Gene: ANKZF1 (ankyrin repeat and zinc finger peptidyl tRNA hydrolase 1; plus strand). Cytogenetic location: 2q35.
Variant type: Duplication.
Coding change: c.581_584dup on transcript NM_018089.3 (MANE Select); coding-DNA positions 581 to 584, 4 bases duplicated (TGCT; older notation c.581_584dupTGCT).
Protein change: p.Leu196fs; shifts the reading frame from leucine 196.
Molecular consequence: frameshift variant. On other transcripts: 5 prime UTR variant (1).
Genome position (GRCh38, 1-based): chr2:219,233,101-219,233,104, TGCT duplicated. VCF-style (leftmost placement, unchanged base first): chr2-219233100-C-CTGCT. GRCh37 (hg19) VCF-style: chr2-220097822-C-CTGCT.
Other names: c.581_584dup, p.Leu196fs (NM_001042410.2); c.-50_-47dup (NM_001282792.2); short protein forms L196fs.
Identifiers: ClinVar variation 3655387 (VCV003655387.2).

ClinVar aggregate classification (germline): Uncertain significance (1 of 4 stars; one submission).

Submission:

Labcorp Genetics (formerly Invitae), Labcorp
Classification: Uncertain significance. Last evaluated: 2024-06-03. Review status: criteria provided, single submitter. Criteria: Invitae Variant Classification Sherloc (09022015). Collection method: clinical testing. Allele origin: germline.
Comment: This sequence change creates a premature translational stop signal (p.Leu196Alafs*8) in the ANKZF1 gene. It is expected to result in an absent or disrupted protein product. However, the current clinical and genetic evidence is not sufficient to establish whether loss-of-function variants in ANKZF1 cause disease. This variant is not present in population databases (gnomAD no frequency). This variant has not been reported in the literature in individuals affected with ANKZF1-related conditions. In summary, the available evidence is currently insufficient to determine the role of this variant in disease. Therefore, it has been classified as a Variant of Uncertain Significance.